The following is an entry in ClinVar:

ClinVar aggregate classification (germline): Likely benign (0 of 4 stars; one submission).

Conditions:
INSR-related disorder.

Allele frequency attached by ClinVar (database versions not stated): gnomAD 0.00002; TOPMed 0.00002; gnomAD exomes 0.00011; ExAC 0.00022.
gnomAD v4.1: 154 of 1,613,200 alleles (0.0095%); highest among the groups gnomAD compares: South Asian, 0.15%; 3 homozygotes.

Submission:

PreventionGenetics, part of Exact Sciences
Classification: Likely benign for INSR-related condition. Last evaluated: 2019-06-10. Review status: no assertion criteria provided. Collection method: clinical testing. Allele origin: germline.
Comment: This variant is classified as likely benign based on ACMG/AMP sequence variant interpretation guidelines (Richards et al. 2015 PMID: 25741868, with internal and published modifications).

NM_000208.4(INSR):c.2178C>A (p.Ser726=)

Gene: INSR (insulin receptor; minus strand). Cytogenetic location: 19p13.2.
Variant type: single nucleotide variant.
Coding change: c.2178C>A on transcript NM_000208.4 (MANE Select); coding-DNA position 2178, C replaced by A.
Protein change: p.Ser726=; no amino-acid change (serine 726 retained).
Molecular consequence: synonymous variant.
Genome position (GRCh38, 1-based): chr19:7,152,779, G>T on the plus strand (C>A on the coding strand, the complement: INSR is on the minus strand). VCF-style: chr19-7152779-G-T. GRCh37 (hg19) VCF-style: chr19-7152790-G-T.
Other names: c.2178C>A, p.Ser726= (NM_001079817.3).
Identifiers: ClinVar variation 3033430 (VCV003033430.2), dbSNP rs759391100, ClinGen allele CA9135651.